The following is an entry in ClinVar:

ClinVar aggregate classification (germline): Likely benign. Review status: criteria provided, multiple submitters, no conflicts (2 of 4 stars). 2 submissions from 2 submitters: Likely benign (2). Last evaluated 2024-10-16.

Allele frequency attached by ClinVar (database versions not stated): gnomAD exomes 0.00001; TOPMed 0.00001.
gnomAD v4.1: 4 of 1,613,562 alleles (0.00025%); highest among the groups gnomAD compares: Admixed American, 0.005%; no homozygotes.

Submissions (2):

Labcorp Genetics (formerly Invitae), Labcorp
Classification: Likely benign. Last evaluated: 2024-10-16. Review status: criteria provided, single submitter. Criteria: Invitae Variant Classification Sherloc (09022015). Collection method: clinical testing. Allele origin: germline.

Laboratory for Molecular Medicine, Mass General Brigham Personalized Medicine
Classification: Likely benign. Last evaluated: 2020-05-07. Review status: criteria provided, single submitter. Criteria: LMM Criteria. Collection method: clinical testing. Allele origin: germline. Observed: 1 variant allele.
Comment: The p.Phe748Phe variant in OTOGL is classified as likely benign because it does not alter an amino acid residue, it is not located within the splice consensus sequence, and splice prediction algorithms do not predict a newly created splice site. It has been identified in 3/34330 Latino chromsomes by the Genome Aggregation Database (gnomAD). ACMG/AMP Criteria applied: BP4, BP7.

NM_001378609.3(OTOGL):c.2271C>T (p.Phe757=)

Gene: OTOGL (otogelin like; plus strand). Cytogenetic location: 12q21.31.
Variant type: single nucleotide variant.
Coding change: c.2271C>T on transcript NM_001378609.3 (MANE Select); coding-DNA position 2271, C replaced by T.
Protein change: p.Phe757=; no amino-acid change (phenylalanine 757 retained).
Molecular consequence: synonymous variant.
Genome position (GRCh38, 1-based): chr12:80,266,497, C>T. VCF-style: chr12-80266497-C-T. GRCh37 (hg19) VCF-style: chr12-80660277-C-T.
Other names: c.2271C>T, p.Phe757= (NM_001368062.3, NM_001378610.3, NM_173591.7).
Identifiers: ClinVar variation 1120055 (VCV001120055.9), dbSNP rs949936521, ClinGen allele CA240205016.